The following is an entry in ClinVar:

NM_001458.5(FLNC):c.3223G>A (p.Gly1075Arg)

Gene: FLNC (filamin C; plus strand). Cytogenetic location: 7q32.1.
Variant type: single nucleotide variant.
Coding change: c.3223G>A on transcript NM_001458.5 (MANE Select); coding-DNA position 3223, G replaced by A.
Protein change: p.Gly1075Arg; replaces glycine 1075 with arginine.
Molecular consequence: missense variant.
Genome position (GRCh38, 1-based): chr7:128,844,688, G>A. VCF-style: chr7-128844688-G-A. GRCh37 (hg19) VCF-style: chr7-128484742-G-A.
Other names: c.3223G>A, p.Gly1075Arg (NM_001127487.2); short protein forms G1075R.
Identifiers: ClinVar variation 3337121 (VCV003337121.4).

ClinVar aggregate classification (germline): Uncertain significance. Review status: criteria provided, multiple submitters, no conflicts (2 of 4 stars). 4 submissions from 4 submitters: Uncertain significance (4). Last evaluated 2026-01-21.

Conditions:
Distal myopathy with posterior leg and anterior hand involvement. Also called: WILLIAMS DISTAL MYOPATHY. Identifiers: Orphanet 63273, MedGen C3279722, MONDO:0013550, OMIM 614065.
Hypertrophic cardiomyopathy 26. Also called: Cardiomyopathy, familial hypertrophic, 26. Identifiers: Orphanet 75249, MedGen C4310749, MONDO:0014883, OMIM 617047.
Myofibrillar myopathy 5. Also called: Filaminopathy (type); FILAMINOPATHY, AUTOSOMAL DOMINANT. Identifiers: Orphanet 171445, MedGen C1836050, MONDO:0012289, OMIM 609524.
Cardiovascular phenotype. Identifiers: MedGen CN230736.

Submissions (4):

Ambry Genetics
Classification: Uncertain significance for Cardiovascular phenotype. Last evaluated: 2026-01-21. Review status: criteria provided, single submitter. Criteria: Ambry Variant Classification Scheme 2023. Collection method: clinical testing. Allele origin: germline.

Women's Health and Genetics/Laboratory Corporation of America, LabCorp
Classification: Uncertain significance. Last evaluated: 2025-10-18. Review status: criteria provided, single submitter. Criteria: LabCorp Variant Classification Summary - May 2015. Collection method: clinical testing. Allele origin: germline.

Labcorp Genetics (formerly Invitae), Labcorp
Classification: Uncertain significance for Distal myopathy with posterior leg and anterior hand involvement; Myofibrillar myopathy 5; Hypertrophic cardiomyopathy 26. Last evaluated: 2025-06-17. Review status: criteria provided, single submitter. Criteria: Invitae Variant Classification Sherloc (09022015). Collection method: clinical testing. Allele origin: germline.
Comment: This sequence change replaces glycine, which is neutral and non-polar, with arginine, which is basic and polar, at codon 1075 of the FLNC protein (p.Gly1075Arg). This variant is not present in population databases (gnomAD no frequency). This variant has not been reported in the literature in individuals affected with FLNC-related conditions. ClinVar contains an entry for this variant (Variation ID: 3337121). Invitae Evidence Modeling of protein sequence and biophysical properties (such as structural, functional, and spatial information, amino acid conservation, physicochemical variation, residue mobility, and thermodynamic stability) has been performed for this missense variant. However, the output from this modeling did not meet the statistical confidence thresholds required to predict the impact of this variant on FLNC protein function. In summary, the available evidence is currently insufficient to determine the role of this variant in disease. Therefore, it has been classified as a Variant of Uncertain Significance.

Clinical Genetics Laboratory, Skane University Hospital Lund
Classification: Uncertain significance. Last evaluated: 2024-04-03. Review status: criteria provided, single submitter. Criteria: ACMG Guidelines, 2015. Collection method: clinical testing. Allele origin: germline. Affected: yes.